The following is an entry in ClinVar:

NM_001457.4(FLNB):c.6532G>A (p.Gly2178Ser)

Gene: FLNB (filamin B; plus strand). Cytogenetic location: 3p14.3.
Variant type: single nucleotide variant.
Coding change: c.6532G>A on transcript NM_001457.4 (MANE Select); coding-DNA position 6532, G replaced by A.
Protein change: p.Gly2178Ser; replaces glycine 2178 with serine.
Molecular consequence: missense variant.
Genome position (GRCh38, 1-based): chr3:58,153,539, G>A. VCF-style: chr3-58153539-G-A. GRCh37 (hg19) VCF-style: chr3-58139266-G-A.
Other names: c.6625G>A, p.Gly2209Ser (NM_001164317.2); c.6499G>A, p.Gly2167Ser (NM_001164318.2); c.6460G>A, p.Gly2154Ser (NM_001164319.2); short protein forms G2167S, G2154S, G2178S, G2209S.
Identifiers: ClinVar variation 1908349 (VCV001908349.9), dbSNP rs752326983, ClinGen allele CA2469420.

ClinVar aggregate classification (germline): Conflicting classifications of pathogenicity. Review status: criteria provided, conflicting classifications (1 of 4 stars). 3 submissions from 3 submitters: Uncertain significance (2); Likely benign (1). Last evaluated 2026-06-01.

Conditions:
Inborn genetic diseases. Identifiers: MedGen C0950123, MeSH D030342.

Allele frequency attached by ClinVar (database versions not stated): ExAC 0.00001; gnomAD exomes 0.00001; gnomAD 0.00003; TOPMed 0.00004.
gnomAD v4.1: 14 of 1,614,024 alleles (0.00087%); highest among the groups gnomAD compares: African/African-American, 0.0053%; no homozygotes.

Submissions (3):

CeGaT Center for Human Genetics Tuebingen
Classification: Uncertain significance. Last evaluated: 2026-06-01. Review status: criteria provided, single submitter. Criteria: CeGaT Center For Human Genetics Tuebingen Variant Classification Criteria Version 2. Collection method: clinical testing. Allele origin: germline. Affected: yes. Observed: 1 variant allele.
Comment: FLNB: PM2, PP3

Labcorp Genetics (formerly Invitae), Labcorp
Classification: Likely benign. Last evaluated: 2025-05-05. Review status: criteria provided, single submitter. Criteria: Invitae Variant Classification Sherloc (09022015). Collection method: clinical testing. Allele origin: germline.

Ambry Genetics
Classification: Uncertain significance for Inborn genetic diseases. Last evaluated: 2024-05-09. Review status: criteria provided, single submitter. Criteria: Ambry Variant Classification Scheme 2023. Collection method: clinical testing. Allele origin: germline.